The following is an entry in ClinVar:

ClinVar aggregate classification (germline): Uncertain significance (1 of 4 stars; one submission).

Conditions:
Hereditary cancer-predisposing syndrome. Also called: Neoplastic Syndromes, Hereditary; Tumor predisposition; Hereditary Cancer Syndrome; Hereditary neoplastic syndrome. Identifiers: Orphanet 140162, MedGen C0027672, MeSH D009386, MONDO:0015356.

Submission:

Ambry Genetics
Classification: Uncertain significance for Hereditary cancer-predisposing syndrome. Last evaluated: 2024-11-14. Review status: criteria provided, single submitter. Criteria: Ambry Variant Classification Scheme 2023. Collection method: clinical testing. Allele origin: germline.
Comment: The p.F149L variant (also known as c.447C>A), located in coding exon 3 of the RET gene, results from a C to A substitution at nucleotide position 447. The phenylalanine at codon 149 is replaced by leucine, an amino acid with highly similar properties. This amino acid position is not well conserved in available vertebrate species. In addition, this alteration is predicted to be tolerated by in silico analysis. Based on the available evidence, the clinical significance of this variant remains unclear.

NM_020975.6(RET):c.447C>A (p.Phe149Leu)

Gene: RET (ret proto-oncogene; plus strand). Cytogenetic location: 10q11.21.
Variant type: single nucleotide variant.
Coding change: c.447C>A on transcript NM_020975.6 (MANE Select); coding-DNA position 447, C replaced by A.
Protein change: p.Phe149Leu; replaces phenylalanine 149 with leucine.
Molecular consequence: missense variant. On other transcripts: intron variant (22).
Genome position (GRCh38, 1-based): chr10:43,102,451, C>A. VCF-style: chr10-43102451-C-A. GRCh37 (hg19) VCF-style: chr10-43597899-C-A.
Other names: c.447C>A, p.Phe149Leu (NM_001406785.1, NM_001406787.1, NM_020630.7 and 14 more transcripts); c.338-20C>A (NM_001406764.1, NM_001406762.1, NM_001406761.1 and 4 more transcripts); c.337+1729C>A (NM_001406770.1, NM_001406766.1, NM_001406767.1 and 8 more transcripts); c.74-6580C>A (NM_001406784.1); c.74-9648C>A (NM_001406794.1, NM_001406792.1, NM_001406793.1); short protein forms F149L.
Identifiers: ClinVar variation 3432283 (VCV003432283.1).